The following is an entry in ClinVar:

NM_001080449.3(DNA2):c.1900A>G (p.Met634Val)

Gene: DNA2 (DNA replication helicase/nuclease 2; minus strand). Cytogenetic location: 10q21.3.
Variant type: single nucleotide variant.
Coding change: c.1900A>G on transcript NM_001080449.3 (MANE Select); coding-DNA position 1900, A replaced by G.
Protein change: p.Met634Val; replaces methionine 634 with valine.
Molecular consequence: missense variant. On other transcripts: non-coding transcript variant (1).
Genome position (GRCh38, 1-based): chr10:68,431,945, T>C on the plus strand (A>G on the coding strand, the complement: DNA2 is on the minus strand). VCF-style: chr10-68431945-T-C. GRCh37 (hg19) VCF-style: chr10-70191702-T-C.
Other names: c.1900A>G (NM_001080449.2); short protein forms M634V.
Identifiers: ClinVar variation 1900004 (VCV001900004.27), dbSNP rs767274530, ClinGen allele CA5524943.

ClinVar aggregate classification (germline): Uncertain significance. Review status: criteria provided, multiple submitters, no conflicts (2 of 4 stars). 3 submissions from 3 submitters: Uncertain significance (3). Last evaluated 2026-03-05.

Allele frequency attached by ClinVar (database versions not stated): ExAC 0.00001; TOPMed 0.00001; gnomAD exomes 0.00005.
gnomAD v4.1: 78 of 1,613,566 alleles (0.0048%); highest among the groups gnomAD compares: Non-Finnish European, 0.0064%; no homozygotes.

Submissions (3):

GeneDx
Classification: Uncertain significance. Last evaluated: 2026-03-05. Review status: criteria provided, single submitter. Criteria: GeneDx Variant Classification Process June 2021. Collection method: clinical testing. Allele origin: germline.
Comment: Not observed at significant frequency in large population cohorts (gnomAD); In silico analysis suggests that this missense variant does not alter protein structure/function; Has not been previously published as pathogenic or benign to our knowledge

CeGaT Center for Human Genetics Tuebingen
Classification: Uncertain significance. Last evaluated: 2024-02-01. Review status: criteria provided, single submitter. Criteria: CeGaT Center For Human Genetics Tuebingen Variant Classification Criteria Version 2. Collection method: clinical testing. Allele origin: germline. Affected: yes. Observed: 1 variant allele.

Labcorp Genetics (formerly Invitae), Labcorp
Classification: Uncertain significance. Last evaluated: 2023-12-07. Review status: criteria provided, single submitter. Criteria: Invitae Variant Classification Sherloc (09022015). Collection method: clinical testing. Allele origin: germline.
Comment: This sequence change replaces methionine, which is neutral and non-polar, with valine, which is neutral and non-polar, at codon 634 of the DNA2 protein (p.Met634Val). This variant is present in population databases (rs767274530, gnomAD 0.003%). This variant has not been reported in the literature in individuals affected with DNA2-related conditions. ClinVar contains an entry for this variant (Variation ID: 1900004). Advanced modeling of protein sequence and biophysical properties (such as structural, functional, and spatial information, amino acid conservation, physicochemical variation, residue mobility, and thermodynamic stability) performed at Invitae indicates that this missense variant is not expected to disrupt DNA2 protein function with a negative predictive value of 80%. In summary, the available evidence is currently insufficient to determine the role of this variant in disease. Therefore, it has been classified as a Variant of Uncertain Significance.